The following is an entry in ClinVar:

ClinVar aggregate classification (germline): Uncertain significance (1 of 4 stars; one submission).

Conditions:
Deficiency of iodide peroxidase (TDH2A). Also called: Thyroid dyshormonogenesis 2A; HYPOTHYROIDISM, CONGENITAL, DUE TO DYSHORMONOGENESIS, 2A; IODIDE PEROXIDASE DEFICIENCY; THYROID HORMONOGENESIS, GENETIC DEFECT IN, 2A; THYROID PEROXIDASE DEFICIENCY. Identifiers: Orphanet 95716, MedGen C1291299, MONDO:0010133, OMIM 274500.

Submission:

University of Washington Department of Laboratory Medicine, University of Washington
Classification: Uncertain significance for Deficiency of iodide peroxidase. Last evaluated: 2021-06-29. Review status: criteria provided, single submitter. Criteria: ACMG Guidelines, 2015. Collection method: clinical testing. Allele origin: maternal. Affected: yes.
Comment: The p.Asp223His variant in the TPO gene has not been previously reported in association with disease. This variant been identified in 2/251330 chromosomes by the Genome Aggregation Database. Although this variant has been seen in the general population, its frequency is low enough to be consistent with a recessive carrier frequency. In silico tools predict that the p.Asp223His variant is deleterious; however, these predictions have not been tested directly. Using ACMG guidelines, this variant was classified as a variant of uncertain significance (ACMG evidence codes used: PM2_supporting, PP3).

NM_001206744.2(TPO):c.667G>C (p.Asp223His)

Gene: TPO (thyroid peroxidase; plus strand). Cytogenetic location: 2p25.3.
Variant type: single nucleotide variant.
Coding change: c.667G>C on transcript NM_001206744.2 (MANE Select); coding-DNA position 667, G replaced by C.
Protein change: p.Asp223His; replaces aspartic acid 223 with histidine.
Molecular consequence: missense variant.
Genome position (GRCh38, 1-based): chr2:1,456,130, G>C. VCF-style: chr2-1456130-G-C. GRCh37 (hg19) VCF-style: chr2-1459902-G-C.
Other names: c.667G>C, p.Asp223His (NM_000547.6, NM_001206745.2, NM_175719.4 and 2 more transcripts); short protein forms D223H.
Identifiers: ClinVar variation 3777207 (VCV003777207.1).